The following is an entry in ClinVar:

ClinVar aggregate classification (germline): Pathogenic/Likely pathogenic. Review status: criteria provided, multiple submitters, no conflicts (2 of 4 stars). 2 submissions from 2 submitters: Pathogenic (1); Likely pathogenic (1). Last evaluated 2025-10-21.

Conditions:
PKD1-related disorder. Also called: PKD1-related condition.
Polycystic kidney disease, adult type (PKD1). Also called: Polycystic Kidney Disease 1, Autosomal Dominant; Polycystic kidney disease 1; Polycystic kidney disease 1, severe; Polycystic Kidney, Autosomal Dominant; POLYCYSTIC KIDNEY DISEASE 1 WITH OR WITHOUT POLYCYSTIC LIVER DISEASE; POLYCYSTIC KIDNEY DISEASE, ADULT, TYPE I. Identifiers: MedGen C3149841, MONDO:0008263, OMIM 173900.

Submissions (2):

Institute of Human Genetics, FAU Erlangen, Friedrich-Alexander-Universität Erlangen-Nürnberg
Classification: Likely pathogenic for Polycystic kidney disease, adult type. Last evaluated: 2025-10-21. Review status: criteria provided, single submitter. Criteria: Hauer et al. (Genet Med. 2018). Collection method: clinical testing. Allele origin: germline. Inheritance: Unknown mechanism. Affected: yes. Observed: 1 variant allele.
Comment: This variant has been identified by standard clinical testing. Selected ACMG criteria: Likely pathogenic (I):PM2;PVS1

PreventionGenetics, part of Exact Sciences
Classification: Pathogenic for PKD1-related condition. Last evaluated: 2025-05-20. Review status: criteria provided, single submitter. Criteria: ACMG Guidelines, 2015. Collection method: clinical testing. Allele origin: germline.
Comment: The PKD1 c.12268delC variant is predicted to result in a frameshift and premature protein termination (p.Leu4090Serfs*108). To our knowledge, this variant has not been reported in the literature or in a large population database (gnomAD), indicating this variant is rare. Frameshift variants in PKD1 are expected to be pathogenic. This variant is interpreted as pathogenic.

NM_001009944.3(PKD1):c.12268del (p.Leu4090fs)

Gene: PKD1 (polycystin 1, transient receptor potential channel interacting; minus strand). Cytogenetic location: 16p13.3.
Variant type: Deletion.
Coding change: c.12268del on transcript NM_001009944.3 (MANE Select); coding-DNA position 12268, one base deleted (C; older notation c.12268delC).
Protein change: p.Leu4090fs; shifts the reading frame from leucine 4090.
Molecular consequence: frameshift variant.
Genome position (GRCh38, 1-based): chr16:2,090,461, G deleted on the plus strand (C on the coding strand, the reverse complement: PKD1 is on the minus strand). VCF-style (leftmost placement, unchanged base first): chr16-2090460-AG-A. GRCh37 (hg19) VCF-style: chr16-2140461-AG-A.
Other names: c.12265del, p.Leu4089fs (NM_000296.4); short protein forms L4089fs, L4090fs.
Identifiers: ClinVar variation 4281618 (VCV004281618.2).